The following is an entry in ClinVar:

ClinVar aggregate classification (germline): Uncertain significance. Review status: criteria provided, multiple submitters, no conflicts (2 of 4 stars). 2 submissions from 2 submitters: Uncertain significance (2). Last evaluated 2024-07-27.

Conditions:
Familial adenomatous polyposis 1 (FAP1). Also called: POLYPOSIS, ADENOMATOUS INTESTINAL; FAMILIAL ADENOMATOUS POLYPOSIS 1, ATTENUATED. Identifiers: MedGen C2713442, MONDO:0021056, OMIM 175100. Disease mechanism: loss of function.
Hereditary cancer-predisposing syndrome. Also called: Neoplastic Syndromes, Hereditary; Tumor predisposition; Hereditary Cancer Syndrome; Hereditary neoplastic syndrome. Identifiers: Orphanet 140162, MedGen C0027672, MeSH D009386, MONDO:0015356.

Submissions (2):

Ambry Genetics
Classification: Uncertain significance for Hereditary cancer-predisposing syndrome. Last evaluated: 2024-07-27. Review status: criteria provided, single submitter. Criteria: Ambry Variant Classification Scheme 2023. Collection method: clinical testing. Allele origin: germline.
Comment: The p.T2160A variant (also known as c.6478A>G), located in coding exon 15 of the APC gene, results from an A to G substitution at nucleotide position 6478. The threonine at codon 2160 is replaced by alanine, an amino acid with similar properties. This amino acid position is conserved. In addition, in silico predictors for this gene do not accurately predict pathogenicity. Based on the available evidence, the clinical significance of this variant remains unclear.

Labcorp Genetics (formerly Invitae), Labcorp
Classification: Uncertain significance for Familial adenomatous polyposis 1. Last evaluated: 2018-12-16. Review status: criteria provided, single submitter. Criteria: Invitae Variant Classification Sherloc (09022015). Collection method: clinical testing. Allele origin: germline.
Comment: This sequence change replaces threonine with alanine at codon 2160 of the APC protein (p.Thr2160Ala). The threonine residue is moderately conserved and there is a small physicochemical difference between threonine and alanine. This variant is not present in population databases (ExAC no frequency). This variant has not been reported in the literature in individuals with APC-related conditions. Algorithms developed to predict the effect of missense changes on protein structure and function output the following: SIFT: "Tolerated"; PolyPhen-2: "Benign"; Align-GVGD: "Class C0". The alanine amino acid residue is found in multiple mammalian species, suggesting that this missense change does not adversely affect protein function. These predictions have not been confirmed by published functional studies and their clinical significance is uncertain. In summary, the available evidence is currently insufficient to determine the role of this variant in disease. Therefore, it has been classified as a Variant of Uncertain Significance.

NM_000038.6(APC):c.6478A>G (p.Thr2160Ala)

Gene: APC (APC regulator of Wnt signaling pathway; plus strand). Cytogenetic location: 5q22.2.
Variant type: single nucleotide variant.
Coding change: c.6478A>G on transcript NM_000038.6 (MANE Select); coding-DNA position 6478, A replaced by G.
Protein change: p.Thr2160Ala; replaces threonine 2160 with alanine.
Molecular consequence: missense variant.
Genome position (GRCh38, 1-based): chr5:112,842,072, A>G. VCF-style: chr5-112842072-A-G. GRCh37 (hg19) VCF-style: chr5-112177769-A-G.
Other names: c.6478A>G, p.Thr2160Ala (NM_001127510.3, NM_001354895.2); c.6424A>G, p.Thr2142Ala (NM_001127511.3); c.6532A>G, p.Thr2178Ala (NM_001354896.2); c.6508A>G, p.Thr2170Ala (NM_001354897.2); c.6403A>G, p.Thr2135Ala (NM_001354898.2); c.6394A>G, p.Thr2132Ala (NM_001354899.2); c.6355A>G, p.Thr2119Ala (NM_001354900.2); c.6301A>G, p.Thr2101Ala (NM_001354901.2); and 5 more; short protein forms T2119A, T2132A, T2135A, T1877A, T2034A, T2000A, T2059A, T2170A.
Identifiers: ClinVar variation 641089 (VCV000641089.11), dbSNP rs1580671152, ClinGen allele CA16035509.